The following is an entry in ClinVar:

ClinVar aggregate classification (germline): Conflicting classifications of pathogenicity. Review status: criteria provided, conflicting classifications (1 of 4 stars). 3 submissions from 3 submitters: Uncertain significance (2); Likely benign (1). Last evaluated 2023-09-29.

Conditions:
Bethlem myopathy 1A. Also called: Bethlem Muscular Dystrophy; MYOPATHY, BENIGN CONGENITAL, WITH CONTRACTURES; Bethlem myopathy 1. Identifiers: Orphanet 610, MedGen CN029274, MONDO:0024530, OMIM 158810.

Allele frequency attached by ClinVar (database versions not stated): gnomAD 0.00001 and 0.00005; TOPMed 0.00001; gnomAD exomes 0.00006 and 0.00012; ESP Exome Variant Server 0.00008; ExAC 0.00016; 1000 Genomes Project 0.00080; 1000 Genomes Project 30x 0.00109.
gnomAD v4.1: 86 of 1,614,110 alleles (0.0053%); highest among the groups gnomAD compares: South Asian, 0.082%; 1 homozygote.

Submissions (3):

GeneDx
Classification: Uncertain significance. Last evaluated: 2023-09-29. Review status: criteria provided, single submitter. Criteria: GeneDx Variant Classification Process June 2021. Collection method: clinical testing. Allele origin: germline. Affected: yes.
Comment: Reported as heterozygous in one patient from a cohort of individuals suspected to have limb-girdle muscular dystrophy (Nallamilli et al., 2018); In silico analysis supports that this missense variant has a deleterious effect on protein structure/function; This variant is associated with the following publications: (PMID: 30564623)

Labcorp Genetics (formerly Invitae), Labcorp
Classification: Likely benign for Bethlem myopathy 1A. Last evaluated: 2023-08-24. Review status: criteria provided, single submitter. Criteria: Invitae Variant Classification Sherloc (09022015). Collection method: clinical testing. Allele origin: germline.

Eurofins Ntd Llc (ga)
Classification: Uncertain significance. Last evaluated: 2016-08-30. Review status: criteria provided, single submitter. Criteria: EGL Classification Definitions 2015. Collection method: clinical testing. Allele origin: germline. Observed: 1 variant allele, 1 heterozygote.

NM_004369.4(COL6A3):c.4835C>T (p.Ser1612Leu)

Gene: COL6A3 (collagen type VI alpha 3 chain; minus strand). Cytogenetic location: 2q37.3.
Variant type: single nucleotide variant.
Coding change: c.4835C>T on transcript NM_004369.4 (MANE Select); coding-DNA position 4835, C replaced by T.
Protein change: p.Ser1612Leu; replaces serine 1612 with leucine.
Molecular consequence: missense variant.
Genome position (GRCh38, 1-based): chr2:237,368,628, G>A on the plus strand (C>T on the coding strand, the complement: COL6A3 is on the minus strand). VCF-style: chr2-237368628-G-A. GRCh37 (hg19) VCF-style: chr2-238277271-G-A.
Other names: c.4835C>T (NM_004369.3); c.3014C>T, p.Ser1005Leu (NM_057166.5); c.4217C>T, p.Ser1406Leu (NM_057167.4); short protein forms S1612L, S1406L, S1005L.
Identifiers: ClinVar variation 290521 (VCV000290521.14), dbSNP rs201532239, ClinGen allele CA2188810.